The following is an entry in ClinVar:

NM_005591.4(MRE11):c.81G>A (p.Glu27=)

Gene: MRE11 (MRE11 double strand break repair nuclease; minus strand). Cytogenetic location: 11q21.
Variant type: single nucleotide variant.
Coding change: c.81G>A on transcript NM_005591.4 (MANE Select); coding-DNA position 81, G replaced by A.
Protein change: p.Glu27=; no amino-acid change (glutamic acid 27 retained).
Molecular consequence: synonymous variant.
Genome position (GRCh38, 1-based): chr11:94,490,905, C>T on the plus strand (G>A on the coding strand, the complement: MRE11 is on the minus strand). VCF-style: chr11-94490905-C-T. GRCh37 (hg19) VCF-style: chr11-94224071-C-T.
Other names: c.81G>A, p.Glu27= (NM_001330347.2, NM_005590.4).
Identifiers: ClinVar variation 184731 (VCV000184731.23), dbSNP rs190031653, ClinGen allele CA189880.
Genomic context (GRCh38, chr11:94,490,905, plus strand): 5'-GGCAAGTCTTAAAATTTCATCGAGTGTTACAAACGTATCATTTCCTCTGACTGCATCTTT[C>T]TCCATAAATCCAAGATGAATATCTGTTGCAACTAATATTTTAAATGTGTTTTCATCATCA-3'
Protein context (NP_005582.1, residues 17-37): VATDIHLGFM[Glu27=]KDAVRGNDTF

ClinVar aggregate classification (germline): Benign/Likely benign. Review status: criteria provided, multiple submitters, no conflicts (2 of 4 stars). 8 submissions from 8 submitters: Benign (4); Likely benign (3). 1 of the submissions does not count toward it. Last evaluated 2025-07-31.

Conditions:
MRE11-related disorder. Also called: MRE11-related condition.
Ataxia-telangiectasia-like disorder (ATLD). Identifiers: MedGen C1858391, MONDO:0011457.
Hereditary cancer-predisposing syndrome. Also called: Tumor predisposition; Neoplastic Syndromes, Hereditary; Hereditary neoplastic syndrome; Hereditary Cancer Syndrome. Identifiers: Orphanet 140162, MedGen C0027672, MeSH D009386, MONDO:0015356.

Allele frequency attached by ClinVar (database versions not stated): gnomAD exomes 0.00005 and 0.00027; gnomAD 0.00006 and 0.00007; TOPMed 0.00011; 1000 Genomes Project 0.00020; ExAC 0.00028; 1000 Genomes Project 30x 0.00031.
gnomAD v4.1: 79 of 1,597,798 alleles (0.0049%); highest among the groups gnomAD compares: Admixed American, 0.13%; no homozygotes.

Submissions (8):

Labcorp Genetics (formerly Invitae), Labcorp
Classification: Benign for Ataxia-telangiectasia-like disorder. Last evaluated: 2025-07-31. Review status: criteria provided, single submitter. Criteria: Invitae Variant Classification Sherloc (09022015). Collection method: clinical testing. Allele origin: germline.

Women's Health and Genetics/Laboratory Corporation of America, LabCorp
Classification: Benign. Last evaluated: 2025-06-27. Review status: criteria provided, single submitter. Criteria: LabCorp Variant Classification Summary - May 2015. Collection method: clinical testing. Allele origin: germline.
Comment: Variant summary: MRE11A c.81G>A alters a conserved nucleotide resulting in a synonymous change. Consensus agreement among computation tools predict no significant impact on normal splicing. However, these predictions have yet to be confirmed by functional studies. The variant allele was found at a frequency of 0.00025 in 282558 control chromosomes, predominantly at a frequency of 0.002 within the Latino subpopulation in the gnomAD database. The observed variant frequency within Latino control individuals in the gnomAD database is approximately 1.52 fold of the estimated maximal expected allele frequency for a pathogenic variant in MRE11A causing Ataxia Telangiectasia-Like Disorder phenotype (0.0013). To our knowledge, no occurrence of c.81G>A in individuals affected with Ataxia Telangiectasia-Like Disorder and no experimental evidence demonstrating its impact on protein function have been reported. ClinVar contains an entry for this variant (Variation ID: 184731). Based on the evidence outlined above, the variant was classified as benign.

Quest Diagnostics Nichols Institute San Juan Capistrano
Classification: Benign. Last evaluated: 2023-08-29. Review status: criteria provided, single submitter. Criteria: Quest Diagnostics criteria. Collection method: clinical testing. Allele origin: unknown.

Blueprint Genetics
Classification: Likely benign. Last evaluated: 2022-04-27. Review status: criteria provided, single submitter. Criteria: ACMG Guidelines, 2015. Collection method: clinical testing. Allele origin: germline.

Sema4
Classification: Likely benign for Hereditary cancer-predisposing syndrome. Last evaluated: 2021-05-21. Review status: criteria provided, single submitter. Criteria: Sema4 Curation Guidelines. Collection method: curation. Allele origin: germline.

Athena Diagnostics
Classification: Benign. Last evaluated: 2019-07-15. Review status: criteria provided, single submitter. Criteria: Athena Diagnostics Criteria. Collection method: clinical testing. Allele origin: germline.

Ambry Genetics
Classification: Likely benign for Hereditary cancer-predisposing syndrome. Last evaluated: 2014-10-16. Review status: criteria provided, single submitter. Criteria: Ambry Variant Classification Scheme 2023. Collection method: clinical testing. Allele origin: germline.

PreventionGenetics, part of Exact Sciences
Classification: Likely benign for MRE11-related condition. Last evaluated: 2019-11-12. Review status: no assertion criteria provided. Collection method: clinical testing. Allele origin: germline. Not counted in ClinVar's aggregate classification.
Comment: This variant is classified as likely benign based on ACMG/AMP sequence variant interpretation guidelines (Richards et al. 2015 PMID: 25741868, with internal and published modifications).